The following is an entry in ClinVar:

ClinVar aggregate classification (germline): Uncertain significance. Review status: criteria provided, multiple submitters, no conflicts (2 of 4 stars). 2 submissions from 2 submitters: Uncertain significance (2). Last evaluated 2025-05-16.

Conditions:
Inborn genetic diseases. Identifiers: MedGen C0950123, MeSH D030342.
Baller-Gerold syndrome (BGS). Also called: CRANIOSYNOSTOSIS WITH RADIAL DEFECTS. Identifiers: Orphanet 1225, MedGen C0265308, MONDO:0009039, OMIM 218600.

Submissions (2):

Ambry Genetics
Classification: Uncertain significance for Inborn genetic diseases. Last evaluated: 2025-05-16. Review status: criteria provided, single submitter. Criteria: Ambry Variant Classification Scheme 2023. Collection method: clinical testing. Allele origin: germline.
Comment: The p.S323N variant (also known as c.968G>A), located in coding exon 5 of the RECQL4 gene, results from a G to A substitution at nucleotide position 968. The serine at codon 323 is replaced by asparagine, an amino acid with highly similar properties. This amino acid position is conserved. In addition, this alteration is predicted to be tolerated by in silico analysis. Based on the available evidence, the clinical significance of this variant remains unclear.

Labcorp Genetics (formerly Invitae), Labcorp
Classification: Uncertain significance for Baller-Gerold syndrome. Last evaluated: 2023-01-24. Review status: criteria provided, single submitter. Criteria: Invitae Variant Classification Sherloc (09022015). Collection method: clinical testing. Allele origin: germline.
Comment: In summary, the available evidence is currently insufficient to determine the role of this variant in disease. Therefore, it has been classified as a Variant of Uncertain Significance. Algorithms developed to predict the effect of missense changes on protein structure and function output the following: SIFT: "Not Available"; PolyPhen-2: "Not Available"; Align-GVGD: "Not Available". The asparagine amino acid residue is found in multiple mammalian species, which suggests that this missense change does not adversely affect protein function. This variant has not been reported in the literature in individuals affected with RECQL4-related conditions. This variant is not present in population databases (gnomAD no frequency). This sequence change replaces serine, which is neutral and polar, with asparagine, which is neutral and polar, at codon 323 of the RECQL4 protein (p.Ser323Asn).

NM_004260.4(RECQL4):c.968G>A (p.Ser323Asn)

Gene: RECQL4 (RecQ like helicase 4; minus strand). Cytogenetic location: 8q24.3.
Variant type: single nucleotide variant.
Coding change: c.968G>A on transcript NM_004260.4 (MANE Select); coding-DNA position 968, G replaced by A.
Protein change: p.Ser323Asn; replaces serine 323 with asparagine.
Molecular consequence: missense variant. On other transcripts: 5 prime UTR variant (16), non-coding transcript variant (3), intron variant (3).
Genome position (GRCh38, 1-based): chr8:144,516,151, C>T on the plus strand (G>A on the coding strand, the complement: RECQL4 is on the minus strand). VCF-style: chr8-144516151-C-T. GRCh37 (hg19) VCF-style: chr8-145741535-C-T.
Other names: c.968G>A, p.Ser323Asn (NM_001413018.1, NM_001413019.1, NM_001413033.1 and 2 more transcripts); c.-104G>A (NM_001413021.1, NM_001413022.1, NM_001413023.1 and 7 more transcripts); c.839G>A, p.Ser280Asn (NM_001413025.1); c.-166G>A (NM_001413027.1, NM_001413030.1, NM_001413031.1 and 2 more transcripts); c.617G>A, p.Ser206Asn (NM_001413029.1); c.-373G>A (NM_001413043.1); c.953+15G>A (NM_001413017.1, NM_001413020.1); c.-23+15G>A (NM_001413034.1); and 1 more; short protein forms S323N, S280N, S206N.
Identifiers: ClinVar variation 2831725 (VCV002831725.4), dbSNP rs769792064, ClinGen allele CA372688501.